The following is an entry in ClinVar:

ClinVar aggregate classification (germline): Uncertain significance (1 of 4 stars; one submission).

Conditions:
Inborn genetic diseases. Identifiers: MedGen C0950123, MeSH D030342.

Submission:

Ambry Genetics
Classification: Uncertain significance for Inborn genetic diseases. Last evaluated: 2026-05-01. Review status: criteria provided, single submitter. Criteria: Ambry Variant Classification Scheme 2023. Collection method: clinical testing. Allele origin: germline.
Comment: The p.G112R variant (also known as c.334G>A), located in coding exon 2 of the ERCC6L2 gene, results from a G to A substitution at nucleotide position 334. The glycine at codon 112 is replaced by arginine, an amino acid with dissimilar properties. This amino acid position is conserved. In addition, the in silico prediction for this alteration is inconclusive. Based on the available evidence, the clinical significance of this variant remains unclear.

NM_020207.7(ERCC6L2):c.334G>A (p.Gly112Arg)

Gene: ERCC6L2 (ERCC excision repair 6 like 2; plus strand). Cytogenetic location: 9q22.32.
Variant type: single nucleotide variant.
Coding change: c.334G>A on transcript NM_020207.7 (MANE Select); coding-DNA position 334, G replaced by A.
Protein change: p.Gly112Arg; replaces glycine 112 with arginine.
Molecular consequence: missense variant. On other transcripts: non-coding transcript variant (1).
Genome position (GRCh38, 1-based): chr9:95,881,156, G>A. VCF-style: chr9-95881156-G-A. GRCh37 (hg19) VCF-style: chr9-98643438-G-A.
Other names: c.334G>A, p.Gly112Arg (NM_001375294.1, NM_001010895.4, NM_001375291.1 and 2 more transcripts); short protein forms G112R.
Identifiers: ClinVar variation 4870600 (VCV004870600.1).